The following is an entry in ClinVar:

ClinVar aggregate classification (germline): Uncertain significance (1 of 4 stars; one submission).

Conditions:
Inborn genetic diseases. Identifiers: MedGen C0950123, MeSH D030342.

Submission:

Ambry Genetics
Classification: Uncertain significance for Inborn genetic diseases. Last evaluated: 2025-04-05. Review status: criteria provided, single submitter. Criteria: Ambry Variant Classification Scheme 2023. Collection method: clinical testing. Allele origin: germline.
Comment: The p.K665Q variant (also known as c.1993A>C), located in coding exon 19 of the ANKRD26 gene, results from an A to C substitution at nucleotide position 1993. The lysine at codon 665 is replaced by glutamine, an amino acid with similar properties. This amino acid position is conserved. In addition, this alteration is predicted to be tolerated by in silico analysis. Based on the available evidence, the clinical significance of this variant remains unclear.

NM_014915.3(ANKRD26):c.1993A>C (p.Lys665Gln)

Gene: ANKRD26 (ankyrin repeat domain containing 26; minus strand). Cytogenetic location: 10p12.1.
Variant type: single nucleotide variant.
Coding change: c.1993A>C on transcript NM_014915.3 (MANE Select); coding-DNA position 1993, A replaced by C.
Protein change: p.Lys665Gln; replaces lysine 665 with glutamine.
Molecular consequence: missense variant.
Genome position (GRCh38, 1-based): chr10:27,044,183, T>G on the plus strand (A>C on the coding strand, the complement: ANKRD26 is on the minus strand). VCF-style: chr10-27044183-T-G. GRCh37 (hg19) VCF-style: chr10-27333112-T-G.
Other names: c.1990A>C, p.Lys664Gln (NM_001256053.2); short protein forms K665Q, K664Q.
Identifiers: ClinVar variation 3913591 (VCV003913591.1).